The following is an entry in ClinVar:

ClinVar aggregate classification (germline): Conflicting classifications of pathogenicity. Review status: criteria provided, conflicting classifications (1 of 4 stars). 6 submissions from 6 submitters: Uncertain significance (5); Likely benign (1). Last evaluated 2026-01-12.

Conditions:
Distal myopathy with anterior tibial onset. Identifiers: Orphanet 178400, MedGen C1847532, MONDO:0011721, OMIM 606768.
Neuromuscular disease caused by qualitative or quantitative defects of dysferlin. Also called: Dysferlinopathy; Qualitative or quantitative defects of dysferlin. Identifiers: Orphanet 207073, MedGen C2931687, MONDO:0016145.
Miyoshi myopathy. Also called: Miyoshi muscular dystrophy; Miyoshi Muscular Dystrophy (Miyoshi Myopathy). Identifiers: Orphanet 45448, MedGen C5553104, MONDO:0009685.
Autosomal recessive limb-girdle muscular dystrophy type 2B (LGMDR2). Also called: MUSCULAR DYSTROPHY, LIMB-GIRDLE, TYPE 3; MUSCULAR DYSTROPHY, LIMB-GIRDLE, AUTOSOMAL RECESSIVE 2; Limb-Girdle Muscular Dystrophy Type 2B (LGMD2B); Limb-girdle muscular dystrophy, type 2B. Identifiers: Orphanet 268, MedGen C1850889, MONDO:0009676, OMIM 253601.
DYSF-related disorder. Also called: DYSF-related condition; DYSF-related disorders.

Allele frequency attached by ClinVar (database versions not stated): gnomAD exomes 0.00005 and 0.00011; ExAC 0.00011; 1000 Genomes Project 30x 0.00016; 1000 Genomes Project 0.00020; ESP Exome Variant Server 0.00046; gnomAD 0.00054; TOPMed 0.00057.
gnomAD v4.1: 166 of 1,613,936 alleles (0.01%); highest among the groups gnomAD compares: African/African-American, 0.15%; 1 homozygote.

Submissions (6):

Labcorp Genetics (formerly Invitae), Labcorp
Classification: Likely benign for Neuromuscular disease caused by qualitative or quantitative defects of dysferlin. Last evaluated: 2026-01-12. Review status: criteria provided, single submitter. Criteria: Invitae Variant Classification Sherloc (09022015). Collection method: clinical testing. Allele origin: germline.

GeneDx
Classification: Uncertain significance. Last evaluated: 2025-02-15. Review status: criteria provided, single submitter. Criteria: GeneDx Variant Classification Process June 2021. Collection method: clinical testing. Allele origin: germline. Affected: yes.
Comment: Reported as a variant of uncertain significance in a patient with limb-girdle muscular dystrophy who also harbored the A783V variant in the DYSF gene, although the phase of these variants was unknown and additional clinical information was not provided (PMID: 30564623); In silico analysis supports that this missense variant has a deleterious effect on protein structure/function; This variant is associated with the following publications: (PMID: 24438169, 30564623)

Mayo Clinic Laboratories, Mayo Clinic
Classification: Uncertain significance. Last evaluated: 2024-08-12. Review status: criteria provided, single submitter. Criteria: ACMG Guidelines, 2015. Collection method: clinical testing. Allele origin: germline. Observed: 1 variant allele.

Revvity Omics, Revvity
Classification: Uncertain significance. Last evaluated: 2023-08-31. Review status: criteria provided, single submitter. Criteria: ACMG Guidelines, 2015. Collection method: clinical testing. Allele origin: germline.

PreventionGenetics, part of Exact Sciences
Classification: Uncertain significance for DYSF-related condition. Last evaluated: 2023-05-25. Review status: criteria provided, single submitter. Criteria: ACMG Guidelines, 2015. Collection method: clinical testing. Allele origin: germline.
Comment: The DYSF c.698C>T variant is predicted to result in the amino acid substitution p.Pro233Leu. This variant was reported in an individual with Muscular dystrophy, limb-girdle (Nallamilli et al. 2018. PubMed ID: 30564623 Table S7). This variant is reported in 0.12% of alleles in individuals of African descent in gnomAD. At this time, the clinical significance of this variant is uncertain due to the absence of conclusive functional and genetic evidence.

Eurofins Ntd Llc (ga)
Classification: Uncertain significance. Last evaluated: 2018-07-05. Review status: criteria provided, single submitter. Criteria: EGL ClinVar v180209 classification definitions. Collection method: clinical testing. Allele origin: germline. Observed: 2 variant alleles, 2 heterozygotes.

Literature cited by the submitters: PubMed 30564623 (cited by Mayo Clinic Laboratories, Mayo Clinic).

NM_001130987.2(DYSF):c.794C>T (p.Pro265Leu)

Gene: DYSF (dysferlin; plus strand). Cytogenetic location: 2p13.2.
Variant type: single nucleotide variant.
Coding change: c.794C>T on transcript NM_001130987.2 (MANE Select); coding-DNA position 794, C replaced by T.
Protein change: p.Pro265Leu; replaces proline 265 with leucine.
Molecular consequence: missense variant.
Genome position (GRCh38, 1-based): chr2:71,515,657, C>T. VCF-style: chr2-71515657-C-T. GRCh37 (hg19) VCF-style: chr2-71742787-C-T.
Other names: p.Pro233Leu; c.698C>T, p.Pro233Leu (NM_003494.4, NM_001130978.2, NM_001130977.2 and 1 more transcripts); c.701C>T, p.Pro234Leu (NM_001130986.2, NM_001130984.2, NM_001130983.2 and 1 more transcripts); c.794C>T, p.Pro265Leu (NM_001130985.2, NM_001130982.2); c.791C>T, p.Pro264Leu (NM_001130981.2, NM_001130980.2, NM_001130979.2); short protein forms P233L, P265L, P264L, P234L.
Identifiers: ClinVar variation 500004 (VCV000500004.24), dbSNP rs143053635, ClinGen allele CA1705463.